The following is an entry in ClinVar:

NM_199242.3(UNC13D):c.455G>A (p.Gly152Glu)

Gene: UNC13D (unc-13 homolog D; minus strand). Cytogenetic location: 17q25.1.
Variant type: single nucleotide variant.
Coding change: c.455G>A on transcript NM_199242.3 (MANE Select); coding-DNA position 455, G replaced by A.
Protein change: p.Gly152Glu; replaces glycine 152 with glutamic acid.
Molecular consequence: missense variant.
Genome position (GRCh38, 1-based): chr17:75,842,547, C>T on the plus strand (G>A on the coding strand, the complement: UNC13D is on the minus strand). VCF-style: chr17-75842547-C-T. GRCh37 (hg19) VCF-style: chr17-73838628-C-T.
Other names: short protein forms G152E.
Identifiers: ClinVar variation 641727 (VCV000641727.7), dbSNP rs774159498, ClinGen allele CA401114377.
Genomic context (GRCh38, chr17:75,842,547, plus strand): 5'-CGGTGGGTCTCCTCCTCGGGGATGGTGTGCCTCACCACAGCCTTCTGCCGATGCCGGGAC[C>T]CGGGGCTGCCCCCTGGCACACCTACCCCCTGCTCAATGCCCAGCAGGCAGTAGGGGTCGC-3'
Protein context (NP_954712.1, residues 142-162): QGVGVPGGSP[Gly152Glu]SRHRQKAVVR

ClinVar aggregate classification (germline): Uncertain significance (1 of 4 stars; one submission).

Conditions:
Familial hemophagocytic lymphohistiocytosis 3 (FHL3). Also called: UNC13D-Related Familial Hemophagocytic Lymphohistiocytosis (UNC13D-fHLH). Identifiers: Orphanet 540, MedGen C1837174, MONDO:0012146, OMIM 608898.

Allele frequency attached by ClinVar (database versions not stated): gnomAD 0.00001; TOPMed 0.00001.

Submission:

Labcorp Genetics (formerly Invitae), Labcorp
Classification: Uncertain significance for Familial hemophagocytic lymphohistiocytosis 3. Last evaluated: 2020-01-28. Review status: criteria provided, single submitter. Criteria: Invitae Variant Classification Sherloc (09022015). Collection method: clinical testing. Allele origin: germline.
Comment: This sequence change replaces glycine with glutamic acid at codon 152 of the UNC13D protein (p.Gly152Glu). The glycine residue is weakly conserved and there is a moderate physicochemical difference between glycine and glutamic acid. In summary, the available evidence is currently insufficient to determine the role of this variant in disease. Therefore, it has been classified as a Variant of Uncertain Significance. Algorithms developed to predict the effect of missense changes on protein structure and function (SIFT, PolyPhen-2, Align-GVGD) all suggest that this variant is likely to be tolerated, but these predictions have not been confirmed by published functional studies and their clinical significance is uncertain. This variant has not been reported in the literature in individuals with UNC13D-related disease. This variant is not present in population databases (ExAC no frequency).